The following is an entry in ClinVar:

ClinVar aggregate classification (germline): Uncertain significance (1 of 4 stars; one submission).

Conditions:
Myopathy, tubular aggregate, 2 (TAM2). Identifiers: MedGen C4014557, MONDO:0014383, OMIM 615883.
Combined immunodeficiency due to ORAI1 deficiency. Also called: IMMUNODEFICIENCY 9. Identifiers: Orphanet 169090, Orphanet 317428, MedGen C2748568, MONDO:0013007, OMIM 612782.

Submission:

Labcorp Genetics (formerly Invitae), Labcorp
Classification: Uncertain significance for Myopathy, tubular aggregate, 2; Combined immunodeficiency due to ORAI1 deficiency. Last evaluated: 2023-11-27. Review status: criteria provided, single submitter. Criteria: Invitae Variant Classification Sherloc (09022015). Collection method: clinical testing. Allele origin: germline.
Comment: This sequence change replaces alanine, which is neutral and non-polar, with proline, which is neutral and non-polar, at codon 238 of the ORAI1 protein (p.Ala238Pro). This variant is not present in population databases (gnomAD no frequency). This variant has not been reported in the literature in individuals affected with ORAI1-related conditions. Experimental studies and prediction algorithms are not available or were not evaluated, and the functional significance of this variant is currently unknown. In summary, the available evidence is currently insufficient to determine the role of this variant in disease. Therefore, it has been classified as a Variant of Uncertain Significance.

NM_032790.4(ORAI1):c.712G>C (p.Ala238Pro)

Gene: ORAI1 (ORAI calcium release-activated calcium modulator 1; plus strand). Cytogenetic location: 12q24.31.
Variant type: single nucleotide variant.
Coding change: c.712G>C on transcript NM_032790.4 (MANE Select); coding-DNA position 712, G replaced by C.
Protein change: p.Ala238Pro; replaces alanine 238 with proline.
Molecular consequence: missense variant. On other transcripts: non-coding transcript variant (1).
Genome position (GRCh38, 1-based): chr12:121,641,449, G>C. VCF-style: chr12-121641449-G-C. GRCh37 (hg19) VCF-style: chr12-122079355-G-C.
Other names: short protein forms A238P.
Identifiers: ClinVar variation 2945699 (VCV002945699.3), dbSNP rs782448303, ClinGen allele CA386984239.